The following is an entry in ClinVar:

ClinVar aggregate classification (germline): Uncertain significance (1 of 4 stars; one submission).

gnomAD v4.1: 9 of 1,294,902 alleles (0.0007%); highest among the groups gnomAD compares: African/African-American, 0.0032%; no homozygotes.

Submission:

Labcorp Genetics (formerly Invitae), Labcorp
Classification: Uncertain significance. Last evaluated: 2024-03-30. Review status: criteria provided, single submitter. Criteria: Invitae Variant Classification Sherloc (09022015). Collection method: clinical testing. Allele origin: germline.
Comment: This sequence change replaces arginine, which is basic and polar, with tryptophan, which is neutral and slightly polar, at codon 11 of the SLC9A3 protein (p.Arg11Trp). This variant is not present in population databases (gnomAD no frequency). This variant has not been reported in the literature in individuals affected with SLC9A3-related conditions. Algorithms developed to predict the effect of missense changes on protein structure and function output the following: SIFT: "Not Available"; PolyPhen-2: "Not Available"; Align-GVGD: "Not Available". The tryptophan amino acid residue is found in multiple mammalian species, which suggests that this missense change does not adversely affect protein function. In summary, the available evidence is currently insufficient to determine the role of this variant in disease. Therefore, it has been classified as a Variant of Uncertain Significance.

NM_004174.4(SLC9A3):c.31C>T (p.Arg11Trp)

Gene: SLC9A3 (solute carrier family 9 member A3). Cytogenetic location: 5p15.33.
Variant type: single nucleotide variant.
Coding change: c.31C>T on transcript NM_004174.4 (MANE Select); coding-DNA position 31, C replaced by T.
Protein change: p.Arg11Trp; replaces arginine 11 with tryptophan.
Molecular consequence: missense variant.
Genome position (GRCh38, 1-based): chr5:524,292, G>A on the plus strand (C>T on the coding strand, the complement: SLC9A3 is on the minus strand). VCF-style: chr5-524292-G-A. GRCh37 (hg19) VCF-style: chr5-524407-G-A.
Other names: c.31C>T, p.Arg11Trp (NM_001284351.3); short protein forms R11W.
Identifiers: ClinVar variation 3682345 (VCV003682345.2).